The following is an entry in ClinVar:

NM_182961.4(SYNE1):c.4162C>T (p.Arg1388Trp)

Gene: SYNE1 (spectrin repeat containing nuclear envelope protein 1; minus strand). Cytogenetic location: 6q25.2.
Variant type: single nucleotide variant.
Coding change: c.4162C>T on transcript NM_182961.4 (MANE Select); coding-DNA position 4162, C replaced by T.
Protein change: p.Arg1388Trp; replaces arginine 1388 with tryptophan.
Molecular consequence: missense variant.
Genome position (GRCh38, 1-based): chr6:152,436,089, G>A on the plus strand (C>T on the coding strand, the complement: SYNE1 is on the minus strand). VCF-style: chr6-152436089-G-A. GRCh37 (hg19) VCF-style: chr6-152757224-G-A.
Other names: p.Arg1395Trp; c.4183C>T, p.Arg1395Trp (NM_033071.5); short protein forms R1388W, R1395W.
Identifiers: ClinVar variation 281306 (VCV000281306.64), dbSNP rs34028822, ClinGen allele CA4058627.

ClinVar aggregate classification (germline): Benign/Likely benign. Review status: criteria provided, multiple submitters, no conflicts (2 of 4 stars). 11 submissions from 10 submitters: Benign (4); Likely benign (6). 1 of the submissions does not count toward it. Last evaluated 2026-08-01.

Conditions:
SYNE1-related disorder. Also called: SYNE1-related disorders; SYNE1-related disease; SYNE1-related condition.
Autosomal recessive ataxia, Beauce type. Also called: ATAXIA, RECESSIVE, OF BEAUCE; SYNE1-Related Autosomal Recessive Cerebellar Ataxia; Spinocerebellar ataxia, autosomal recessive 8; SYNE1 Deficiency. Identifiers: Orphanet 88644, MedGen C1853116, MONDO:0012549, OMIM 610743.
Emery-Dreifuss muscular dystrophy 4, autosomal dominant (EDMD4). Also called: EMERY-DREIFUSS MUSCULAR DYSTROPHY 4 WITH VARIABLE FEATURES. Identifiers: Orphanet 261, MedGen C2751807, MONDO:0013071, OMIM 612998.

Allele frequency attached by ClinVar (database versions not stated): 1000 Genomes Project 30x 0.00234; 1000 Genomes Project 0.00240; gnomAD exomes 0.00278; ExAC 0.00290; TOPMed 0.00327; ESP Exome Variant Server 0.00431.
gnomAD v4.1: 6,273 of 1,613,638 alleles (0.39%); highest among the groups gnomAD compares: Middle Eastern, 1.3%; 23 homozygotes.

Submissions (11):

CeGaT Center for Human Genetics Tuebingen
Classification: Likely benign. Last evaluated: 2026-08-01. Review status: criteria provided, single submitter. Criteria: CeGaT Center For Human Genetics Tuebingen Variant Classification Criteria Version 2. Collection method: clinical testing. Allele origin: germline. Affected: yes. Observed: 55 variant alleles.
Comment: SYNE1: BS2

Labcorp Genetics (formerly Invitae), Labcorp
Classification: Likely benign for Emery-Dreifuss muscular dystrophy 4, autosomal dominant; Autosomal recessive ataxia, Beauce type. Last evaluated: 2026-02-01. Review status: criteria provided, single submitter. Criteria: Invitae Variant Classification Sherloc (09022015). Collection method: clinical testing. Allele origin: germline.

Blueprint Genetics
Classification: Likely benign. Last evaluated: 2024-11-20. Review status: criteria provided, single submitter. Criteria: ACMG Guidelines, 2015. Collection method: clinical testing. Allele origin: germline.

Mayo Clinic Laboratories, Mayo Clinic
Classification: Benign. Last evaluated: 2022-05-16. Review status: criteria provided, single submitter. Criteria: ACMG Guidelines, 2015. Collection method: clinical testing. Allele origin: germline. Observed: 9 variant alleles.
Comment: BS1, BS2

Athena Diagnostics
Classification: Benign. Last evaluated: 2019-03-28. Review status: criteria provided, single submitter. Criteria: Athena Diagnostics Criteria. Collection method: clinical testing. Allele origin: germline.

GeneDx
Classification: Benign. Last evaluated: 2018-07-11. Review status: criteria provided, single submitter. Criteria: GeneDx Variant Classification Process June 2021. Collection method: clinical testing. Allele origin: germline. Affected: yes.
Comment: This variant is associated with the following publications: (PMID: 30610203)

Illumina Laboratory Services, Illumina
Classification: Benign for Emery-Dreifuss muscular dystrophy 4, autosomal dominant. Last evaluated: 2018-01-12. Review status: criteria provided, single submitter. Criteria: ICSL Variant Classification Criteria 13 December 2019. Collection method: clinical testing. Allele origin: germline.
Comment: This variant was observed in the ICSL laboratory as part of a predisposition screen in an ostensibly healthy population. It had not been previously curated by ICSL or reported in the Human Gene Mutation Database (HGMD: prior to June 1st, 2018), and was therefore a candidate for classification through an automated scoring system. Utilizing variant allele frequency, disease prevalence and penetrance estimates, and inheritance mode, an automated score was calculated to assess if this variant is too frequent to cause the disease. Based on the score and internal cut-off values, a variant classified as benign is not then subjected to further curation. The score for this variant resulted in a classification of benign for this disease.

Illumina Laboratory Services, Illumina
Classification: Likely benign for Autosomal recessive ataxia, Beauce type. Last evaluated: 2018-01-12. Review status: criteria provided, single submitter. Criteria: ICSL Variant Classification Criteria 13 December 2019. Collection method: clinical testing. Allele origin: germline.
Comment: This variant was observed in the ICSL laboratory as part of a predisposition screen in an ostensibly healthy population. It had not been previously curated by ICSL or reported in the Human Gene Mutation Database (HGMD: prior to June 1st, 2018), and was therefore a candidate for classification through an automated scoring system. Utilizing variant allele frequency, disease prevalence and penetrance estimates, and inheritance mode, an automated score was calculated to assess if this variant is too frequent to cause the disease. Based on the score and internal cut-off values, a variant classified as likely benign is not then subjected to further curation. The score for this variant resulted in a classification of likely benign for this disease.

Eurofins Ntd Llc (ga)
Classification: Likely benign. Last evaluated: 2015-09-22. Review status: criteria provided, single submitter. Criteria: EGL Classification Definitions 2015. Collection method: clinical testing. Allele origin: germline. Observed: 5 variant alleles, 5 heterozygotes.

Breakthrough Genomics
Classification: Likely benign. Review status: criteria provided, single submitter. Criteria: ACMG Guidelines, 2015. Collection method: not provided. Allele origin: germline. Inheritance: Autosomal recessive inheritance. Affected: yes.

PreventionGenetics, part of Exact Sciences
Classification: Likely benign for SYNE1-related condition. Last evaluated: 2020-07-09. Review status: no assertion criteria provided. Collection method: clinical testing. Allele origin: germline. Not counted in ClinVar's aggregate classification.
Comment: This variant is classified as likely benign based on ACMG/AMP sequence variant interpretation guidelines (Richards et al. 2015 PMID: 25741868, with internal and published modifications).